The following is an entry in ClinVar:

ClinVar aggregate classification (germline): Likely benign. Review status: criteria provided, multiple submitters, no conflicts (2 of 4 stars). 5 submissions from 5 submitters: Likely benign (4). 1 of the submissions does not count toward it. Last evaluated 2025-09-12.

Conditions:
SMAD9-related disorder. Also called: SMAD9-related condition.
Pulmonary hypertension, primary, 2. Identifiers: Orphanet 422, MedGen C3888002, MONDO:0014134, OMIM 615342.

Allele frequency attached by ClinVar (database versions not stated): gnomAD 0.00004; gnomAD exomes 0.00007; ExAC 0.00009; TOPMed 0.00009; ESP Exome Variant Server 0.00015.

Submissions (5):

Labcorp Genetics (formerly Invitae), Labcorp
Classification: Likely benign for Pulmonary hypertension, primary, 2. Last evaluated: 2025-09-12. Review status: criteria provided, single submitter. Criteria: Invitae Variant Classification Sherloc (09022015). Collection method: clinical testing. Allele origin: germline.

CeGaT Center for Human Genetics Tuebingen
Classification: Likely benign. Last evaluated: 2022-07-01. Review status: criteria provided, single submitter. Criteria: CeGaT Center For Human Genetics Tuebingen Variant Classification Criteria Version 2. Collection method: clinical testing. Allele origin: germline. Affected: yes. Observed: 1 variant allele.
Comment: SMAD9: BP4, BP7

ARUP Laboratories, Molecular Genetics and Genomics, ARUP Laboratories
Classification: Likely benign for Pulmonary hypertension, primary, 2. Last evaluated: 2022-03-31. Review status: criteria provided, single submitter. Criteria: ARUP Molecular Germline Variant Investigation Process 2021. Collection method: clinical testing. Allele origin: germline.

Fulgent Genetics
Classification: Likely benign for Pulmonary hypertension, primary, 2. Last evaluated: 2021-09-15. Review status: criteria provided, single submitter. Criteria: ACMG Guidelines, 2015. Collection method: clinical testing. Allele origin: unknown.

PreventionGenetics, part of Exact Sciences
Classification: Likely benign for SMAD9-related condition. Last evaluated: 2021-09-08. Review status: no assertion criteria provided. Collection method: clinical testing. Allele origin: germline. Not counted in ClinVar's aggregate classification.
Comment: This variant is classified as likely benign based on ACMG/AMP sequence variant interpretation guidelines (Richards et al. 2015 PMID: 25741868, with internal and published modifications).

NM_001127217.3(SMAD9):c.1047C>T (p.Cys349=)

Gene: SMAD9 (SMAD family member 9; minus strand). Cytogenetic location: 13q13.3.
Variant type: single nucleotide variant.
Coding change: c.1047C>T on transcript NM_001127217.3 (MANE Select); coding-DNA position 1047, C replaced by T.
Protein change: p.Cys349=; no amino-acid change (cysteine 349 retained).
Molecular consequence: synonymous variant.
Genome position (GRCh38, 1-based): chr13:36,853,632, G>A on the plus strand (C>T on the coding strand, the complement: SMAD9 is on the minus strand). VCF-style: chr13-36853632-G-A. GRCh37 (hg19) VCF-style: chr13-37427769-G-A.
Other names: c.936C>T, p.Cys312= (NM_001378621.1, NM_005905.6); c.1047C>T (NM_001127217.2).
Identifiers: ClinVar variation 870725 (VCV000870725.50), dbSNP rs141357701, ClinGen allele CA6950387.